The following is an entry in ClinVar:

ClinVar aggregate classification (germline): Uncertain significance (1 of 4 stars; one submission).

Conditions:
Neurofibromatosis, type 1 (NF1). Also called: VON RECKLINGHAUSEN DISEASE; NEUROFIBROMATOSIS, TYPE I, SOMATIC; Neurofibromatosis, type I; Peripheral type neurofibromatosis. Identifiers: Orphanet 636, MedGen C0027831, MONDO:0018975, OMIM 162200. Disease mechanism: loss of function.

Submission:

Labcorp Genetics (formerly Invitae), Labcorp
Classification: Uncertain significance for Neurofibromatosis, type 1. Last evaluated: 2023-12-13. Review status: criteria provided, single submitter. Criteria: Invitae Variant Classification Sherloc (09022015). Collection method: clinical testing. Allele origin: germline.
Comment: This sequence change falls in intron 9 of the NF1 gene. It does not directly change the encoded amino acid sequence of the NF1 protein. It affects a nucleotide within the consensus splice site. This variant is not present in population databases (gnomAD no frequency). This variant has not been reported in the literature in individuals affected with NF1-related conditions. Variants that disrupt the consensus splice site are a relatively common cause of aberrant splicing (PMID: 17576681, 9536098). Algorithms developed to predict the effect of sequence changes on RNA splicing suggest that this variant may disrupt the consensus splice site. In summary, the available evidence is currently insufficient to determine the role of this variant in disease. Therefore, it has been classified as a Variant of Uncertain Significance.

Literature cited by the submitters: PubMed 17576681; PubMed 9536098.

NM_001042492.3(NF1):c.1062_1062+2dup

Gene: NF1 (neurofibromin 1; plus strand). Cytogenetic location: 17q11.2.
Variant type: Duplication.
Coding change: c.1062_1062+2dup on transcript NM_001042492.3 (MANE Select); coding-DNA position 1062 through the canonical splice donor site of the intron after coding-DNA position 1062, 3 bases duplicated (GGT; older notation c.1062_1062+2dupGGT).
Molecular consequence: splice donor variant.
Genome position (GRCh38, 1-based): chr17:31,200,595-31,200,597, GGT duplicated. VCF-style (leftmost placement, unchanged base first): chr17-31200594-A-AGGT. GRCh37 (hg19) VCF-style: chr17-29527612-A-AGGT.
Other names: c.1062_1062+2dup (NM_000267.4, NM_001128147.3).
Identifiers: ClinVar variation 2832280 (VCV002832280.3), dbSNP rs2544794556, ClinGen allele CA2739267329.